The following is an entry in ClinVar:

ClinVar aggregate classification (germline): Uncertain significance (1 of 4 stars; one submission).

Conditions:
Familial thoracic aortic aneurysm and aortic dissection (TAAD). Also called: Thoracic aortic aneurysms and dissections. Identifiers: Orphanet 91387, MedGen C4707243, MONDO:0019625.
Marfan syndrome (MFS). Also called: MARFAN SYNDROME, TYPE I; Marfan syndrome type 1; Marfan's syndrome; Marfan syndrome, classic; FBN1-Related Marfan Syndrome. Identifiers: Orphanet 284963, Orphanet 558, MedGen C0024796, MONDO:0007947, OMIM 154700.

Submission:

Labcorp Genetics (formerly Invitae), Labcorp
Classification: Uncertain significance for Marfan syndrome; Familial thoracic aortic aneurysm and aortic dissection. Last evaluated: 2022-11-26. Review status: criteria provided, single submitter. Criteria: Invitae Variant Classification Sherloc (09022015). Collection method: clinical testing. Allele origin: germline.
Comment: This variant, c.796_810del, results in the deletion of 5 amino acid(s) of the FBN1 protein (p.Val266_Glu270del), but otherwise preserves the integrity of the reading frame. This variant is not present in population databases (gnomAD no frequency). This variant has been observed in individual(s) with clinical features of Marfan syndrome (Invitae). Experimental studies and prediction algorithms are not available or were not evaluated, and the functional significance of this variant is currently unknown. In summary, the available evidence is currently insufficient to determine the role of this variant in disease. Therefore, it has been classified as a Variant of Uncertain Significance.

NM_000138.5(FBN1):c.796_810del (p.Val266_Glu270del)

Gene: FBN1 (fibrillin 1; minus strand). Cytogenetic location: 15q21.1.
Variant type: Deletion.
Coding change: c.796_810del on transcript NM_000138.5 (MANE Select); coding-DNA positions 796 to 810, 15 bases deleted (GTTGGGTCTTTTGAG).
Protein change: p.Val266_Glu270del.
Molecular consequence: inframe deletion. On other transcripts: inframe indel (2).
Genome position (GRCh38, 1-based): chr15:48,534,132-48,534,146, CTCAAAAGACCCAAC deleted on the plus strand (GTTGGGTCTTTTGAG on the coding strand, the reverse complement: FBN1 is on the minus strand). VCF-style (leftmost placement, unchanged base first): chr15-48534131-ACTCAAAAGACCCAAC-A. GRCh37 (hg19) VCF-style: chr15-48826328-ACTCAAAAGACCCAAC-A.
Other names: c.796_810delGTTGGGTCTTTTGAG, p.Val266_Glu270del (NM_001406716.1, NM_001406717.1).
Identifiers: ClinVar variation 2045759 (VCV002045759.4), dbSNP rs2505655396, ClinGen allele CA2580089570.